The following is an entry in ClinVar:

ClinVar aggregate classification (germline): Likely benign (0 of 4 stars; one submission).

Conditions:
SCNN1G-related disorder. Also called: SCNN1G-related condition; SCNN1G-Related Disorders.

Allele frequency attached by ClinVar (database versions not stated): gnomAD 0.00004; ESP Exome Variant Server 0.00008; gnomAD exomes 0.00009; ExAC 0.00003; TOPMed 0.00003.
gnomAD v4.1: 136 of 1,613,888 alleles (0.0084%); highest among the groups gnomAD compares: Non-Finnish European, 0.011%; no homozygotes.

Submission:

PreventionGenetics, part of Exact Sciences
Classification: Likely benign for SCNN1G-related condition. Last evaluated: 2019-03-22. Review status: no assertion criteria provided. Collection method: clinical testing. Allele origin: germline.
Comment: This variant is classified as likely benign based on ACMG/AMP sequence variant interpretation guidelines (Richards et al. 2015 PMID: 25741868, with internal and published modifications).

NM_001039.4(SCNN1G):c.945G>A (p.Glu315=)

Gene: SCNN1G (sodium channel epithelial 1 subunit gamma; plus strand). Cytogenetic location: 16p12.2.
Variant type: single nucleotide variant.
Coding change: c.945G>A on transcript NM_001039.4 (MANE Select); coding-DNA position 945, G replaced by A.
Protein change: p.Glu315=; no amino-acid change (glutamic acid 315 retained).
Molecular consequence: synonymous variant.
Genome position (GRCh38, 1-based): chr16:23,197,295, G>A. VCF-style: chr16-23197295-G-A. GRCh37 (hg19) VCF-style: chr16-23208616-G-A.
Identifiers: ClinVar variation 3047900 (VCV003047900.2), dbSNP rs200984982, ClinGen allele CA7959723.